The following is an entry in ClinVar:

ClinVar aggregate classification (germline): Likely benign (1 of 4 stars; one submission).

Allele frequency attached by ClinVar (database versions not stated): TOPMed 0.00054; 1000 Genomes Project 0.00020; gnomAD 0.00045; 1000 Genomes Project 30x 0.00047; gnomAD exomes 0.00062.
gnomAD v4.1: 94 of 1,284,168 alleles (0.0073%); highest among the groups gnomAD compares: African/African-American, 0.14%; no homozygotes.

Submission:

GeneDx
Classification: Likely benign. Last evaluated: 2017-11-08. Review status: criteria provided, single submitter. Criteria: GeneDx Variant Classification (06012015). Collection method: clinical testing. Allele origin: germline. Affected: yes.
Comment: This variant is considered likely benign or benign based on one or more of the following criteria: it is a conservative change, it occurs at a poorly conserved position in the protein, it is predicted to be benign by multiple in silico algorithms, and/or has population frequency not consistent with disease.

NM_152416.2(NDUFAF6):c.-49T>G

Genes: NDUFAF6 (NADH:ubiquinone oxidoreductase complex assembly factor 6; plus strand), LOC113788297 (Sharpr-MPRA regulatory region 2014; plus strand). Cytogenetic location: 8q22.1.
Variant type: single nucleotide variant.
Coding change: c.-49T>G on transcript NM_152416.2; 49 bases upstream of the start codon, T replaced by G.
Molecular consequence: intron variant (on NM_001354534.2).
Genome position (GRCh38, 1-based): chr8:95,024,960, T>G. VCF-style: chr8-95024960-T-G. GRCh37 (hg19) VCF-style: chr8-96037188-T-G.
Other names: c.-136-7035T>G (NM_001354534.2); c.-83-7035T>G (NM_001354514.2, NM_001354515.2); c.-456-7035T>G (NM_001354525.2, NM_001354524.2); c.-383-7035T>G (NM_001354522.2); c.42-7035T>G (NM_001354516.2).
Identifiers: ClinVar variation 512921 (VCV000512921.3), dbSNP rs199563102, ClinGen allele CA4814646.
Genomic context (GRCh38, chr8:95,024,960, plus strand): 5'-AGGCTGCCTTCCCGCGACTCAAAGGAGCATAGGGGAACCTGCAGGGGCGTGGCCGGGGCG[T>G]AGCTGCGCGCCGACGGCGGGGGGTCGAAGGGCACGCAGTGCCGGCGTCATGGCGGCCTCC-3'